The following is an entry in ClinVar:

ClinVar aggregate classification (germline): Pathogenic. Review status: reviewed by expert panel (3 of 4 stars). 2 submissions from 2 submitters: Pathogenic (1). 1 of the submissions does not count toward it. Last evaluated 2016-09-08.

Conditions:
Hereditary breast ovarian cancer syndrome. Also called: Hereditary breast and ovarian cancer; Breast and ovarian cancer; Hereditary breast and/or ovarian cancer syndrome; BRCA1- and BRCA2-Associated Hereditary Breast and Ovarian Cancer; Hereditary breast and ovarian cancer syndrome; Hereditary breast and ovarian cancer syndrome (HBOC). Identifiers: Orphanet 145, MedGen C0677776, MeSH D061325, MONDO:0003582. Disease mechanism: loss of function.
Breast-ovarian cancer, familial, susceptibility to, 2 (BROVCA2). Also called: BRCA2 Hereditary Breast and Ovarian Cancer. Identifiers: Orphanet 145, MedGen C2675520, MONDO:0012933, OMIM 612555. Disease mechanism: loss of function.

Submissions (2):

Evidence-based Network for the Interpretation of Germline Mutant Alleles (ENIGMA)
Classification: Pathogenic for Breast-ovarian cancer, familial, susceptibility to, 2. Last evaluated: 2016-09-08. Review status: reviewed by expert panel. Criteria: ENIGMA BRCA1/2 Classification Criteria (2015). Collection method: curation. Allele origin: germline.
Comment: Variant allele predicted to encode a truncated non-functional protein.

Labcorp Genetics (formerly Invitae), Labcorp
Classification: Pathogenic for Hereditary breast ovarian cancer syndrome. Last evaluated: 2022-09-01. Review status: criteria provided, single submitter. Criteria: Invitae Variant Classification Sherloc (09022015). Collection method: clinical testing. Allele origin: germline. Not counted in ClinVar's aggregate classification.
Comment: This variant is not present in population databases (gnomAD no frequency). For these reasons, this variant has been classified as Pathogenic. ClinVar contains an entry for this variant (Variation ID: 254512). This variant has not been reported in the literature in individuals affected with BRCA2-related conditions. This sequence change creates a premature translational stop signal (p.Gly1006*) in the BRCA2 gene. It is expected to result in an absent or disrupted protein product. Loss-of-function variants in BRCA2 are known to be pathogenic (PMID: 20104584).

Literature cited by the submitters: PubMed 20104584 (cited by Labcorp Genetics (formerly Invitae), Labcorp).

NM_000059.4(BRCA2):c.3016G>T (p.Gly1006Ter)

Gene: BRCA2 (BRCA2 DNA repair associated; plus strand). Cytogenetic location: 13q13.1.
Variant type: single nucleotide variant.
Coding change: c.3016G>T on transcript NM_000059.4 (MANE Select); coding-DNA position 3016, G replaced by T.
Protein change: p.Gly1006Ter; replaces glycine 1006 with a stop codon.
Molecular consequence: nonsense.
Genome position (GRCh38, 1-based): chr13:32,337,371, G>T. VCF-style: chr13-32337371-G-T. GRCh37 (hg19) VCF-style: chr13-32911508-G-T.
Other names: short protein forms G1006*.
Identifiers: ClinVar variation 254512 (VCV000254512.7), dbSNP rs886038083, ClinGen allele CA10586509.
Genomic context (GRCh38, chr13:32,337,371, plus strand): 5'-AATAATGATTACATGAACAAATGGGCAGGACTCTTAGGTCCAATTTCAAATCACAGTTTT[G>T]GAGGTAGCTTCAGAACAGCTTCAAATAAGGAAATCAAGCTCTCTGAACATAACATTAAGA-3'